The following is an entry in ClinVar:

NC_000004.11:g.(?_151604683)_(151935814_?)dup

Genes: LRBA (LPS responsive beige-like anchor protein; minus strand), LOC108281188 (LRBA intron ENCODE-defined enhancer; plus strand), LOC123493218 (Sharpr-MPRA regulatory region 7547; plus strand), LOC129993220 (ATAC-STARR-seq lymphoblastoid active region 22015; plus strand). Cytogenetic location: 4q31.3.
Variant type: Duplication.
Identifiers: ClinVar variation 583786 (VCV000583786.2).

ClinVar aggregate classification (germline): Uncertain significance (1 of 4 stars; one submission).

Conditions:
Combined immunodeficiency due to LRBA deficiency. Also called: Common variable immunodeficiency 8, with autoimmunity. Identifiers: Orphanet 445018, MedGen C3553512, MONDO:0013863, OMIM 614700.

Submission:

Labcorp Genetics (formerly Invitae), Labcorp
Classification: Uncertain significance for Combined immunodeficiency due to LRBA deficiency. Last evaluated: 2021-08-12. Review status: criteria provided, single submitter. Criteria: Invitae Variant Classification Sherloc (09022015). Collection method: clinical testing. Allele origin: germline.
Comment: This variant results in a copy number gain of the genomic region encompassing exon(s) 2-37 of the LRBA gene. This region includes the initiator codon of the gene. This copy number gain extends beyond the assayed region for this gene and therefore may encompass additional genes. As the precise location of this event is unknown, it may be in tandem or it may be located elsewhere in the genome. This variant has not been reported in the literature in individuals affected with LRBA-related conditions. Experimental studies and prediction algorithms are not available or were not evaluated, and the functional significance of this variant is currently unknown. In summary, the available evidence is currently insufficient to determine the role of this variant in disease. Therefore, it has been classified as a Variant of Uncertain Significance.